The following is an entry in ClinVar:

NM_001042492.3(NF1):c.6642G>T (p.Glu2214Asp)

Gene: NF1 (neurofibromin 1; plus strand). Cytogenetic location: 17q11.2.
Variant type: single nucleotide variant.
Coding change: c.6642G>T on transcript NM_001042492.3 (MANE Select); coding-DNA position 6642, G replaced by T.
Protein change: p.Glu2214Asp; replaces glutamic acid 2214 with aspartic acid.
Molecular consequence: missense variant.
Genome position (GRCh38, 1-based): chr17:31,337,582, G>T. VCF-style: chr17-31337582-G-T. GRCh37 (hg19) VCF-style: chr17-29664600-G-T.
Other names: c.6579G>T, p.Glu2193Asp (NM_000267.4); short protein forms E2193D, E2214D.
Identifiers: ClinVar variation 2111707 (VCV002111707.5), dbSNP rs876660207, ClinGen allele CA399013593.
Genomic context (GRCh38, chr17:31,337,582, plus strand): 5'-AGAGACTTTTGCTTTGACATCCTTGGAAACAGTCACAGAAGCTTTGTTGGAGATCATGGA[G>T]GTATAGAAGCCAAAATGATAAGAAACTAAGTTAAAATCTTTTTTTAAAAATATGTTAATA-3'
Protein context (NP_001035957.1, residues 2204-2224): TVTEALLEIM[Glu2214Asp]ACMRDIPTCK

ClinVar aggregate classification (germline): Pathogenic (1 of 4 stars; one submission).

Conditions:
Neurofibromatosis, type 1 (NF1). Also called: VON RECKLINGHAUSEN DISEASE; Peripheral type neurofibromatosis; Neurofibromatosis, type I; NEUROFIBROMATOSIS, TYPE I, SOMATIC. Identifiers: Orphanet 636, MedGen C0027831, MONDO:0018975, OMIM 162200. Disease mechanism: loss of function.

Submission:

Labcorp Genetics (formerly Invitae), Labcorp
Classification: Pathogenic for Neurofibromatosis, type 1. Last evaluated: 2024-10-24. Review status: criteria provided, single submitter. Criteria: Invitae Variant Classification Sherloc (09022015). Collection method: clinical testing. Allele origin: germline.
Comment: This sequence change replaces glutamic acid, which is acidic and polar, with aspartic acid, which is acidic and polar, at codon 2193 of the NF1 protein (p.Glu2193Asp). This variant also falls at the last nucleotide of exon 42, which is part of the consensus splice site for this exon. This variant is not present in population databases (gnomAD no frequency). This missense change has been observed in individual(s) with clinical features of NF1-related conditions (internal data). In at least one individual the variant was observed to be de novo. ClinVar contains an entry for this variant (Variation ID: 2111707). An algorithm developed to predict the effect of missense changes on protein structure and function (PolyPhen-2) suggests that this variant is likely to be disruptive. Variants that disrupt the consensus splice site are a relatively common cause of aberrant splicing (PMID: 17576681, 9536098). Algorithms developed to predict the effect of sequence changes on RNA splicing suggest that this variant may disrupt the consensus splice site. For these reasons, this variant has been classified as Pathogenic.

Literature cited by the submitters: PubMed 17576681; PubMed 9536098.